The following is an entry in ClinVar:

ClinVar aggregate classification (germline): Pathogenic (1 of 4 stars; one submission).

Conditions:
Familial thoracic aortic aneurysm and aortic dissection (TAAD). Also called: Thoracic aortic aneurysms and dissections. Identifiers: Orphanet 91387, MedGen C4707243, MONDO:0019625.

Submission:

Ambry Genetics
Classification: Pathogenic for Familial thoracic aortic aneurysm and aortic dissection. Last evaluated: 2015-03-03. Review status: criteria provided, single submitter. Criteria: Ambry Variant Classification Scheme 2023. Collection method: clinical testing. Allele origin: germline.
Comment: The c.4956delT pathogenic mutation, located in coding exon 40 of the FBN1 gene, results from a deletion of one nucleotide at nucleotide position 4956, causing a translational frameshift with a predicted alternate stop codon (p.C1652Wfs*30). Since frameshifts are typically deleterious in nature, this alteration is interpreted as a disease-causing mutation (ACMG Recommendations for Standards for Interpretation and Reporting of Sequence Variations. Revision 2007. Genet Med. 2008;10:294).

NM_000138.5(FBN1):c.4956del (p.Cys1652fs)

Gene: FBN1 (fibrillin 1; minus strand). Cytogenetic location: 15q21.1.
Variant type: Deletion.
Coding change: c.4956del on transcript NM_000138.5 (MANE Select); coding-DNA position 4956, one base deleted (T; older notation c.4956delT).
Protein change: p.Cys1652fs; shifts the reading frame from cysteine 1652.
Molecular consequence: frameshift variant.
Genome position (GRCh38, 1-based): chr15:48,464,008, A deleted on the plus strand (T on the coding strand, the reverse complement: FBN1 is on the minus strand). VCF-style (leftmost placement, unchanged base first): chr15-48464007-CA-C. GRCh37 (hg19) VCF-style: chr15-48756204-CA-C.
Other names: c.4956delT (NM_000138.4); short protein forms C1652fs.
Identifiers: ClinVar variation 263927 (VCV000263927.5), dbSNP rs886038979, ClinGen allele CA10587819.